The following is an entry in ClinVar:

ClinVar aggregate classification (germline): Uncertain significance (1 of 4 stars; one submission).

Conditions:
Immunodeficiency, common variable, 4. Also called: ANTIBODY DEFICIENCY DUE TO BAFFR DEFECT. Identifiers: Orphanet 1572, Orphanet 696925, MedGen C3150739, MONDO:0013284, OMIM 613494.

Submission:

Labcorp Genetics (formerly Invitae), Labcorp
Classification: Uncertain significance for Immunodeficiency, common variable, 4. Last evaluated: 2025-06-17. Review status: criteria provided, single submitter. Criteria: Invitae Variant Classification Sherloc (09022015). Collection method: clinical testing. Allele origin: germline.
Comment: This sequence change replaces glutamic acid, which is acidic and polar, with lysine, which is basic and polar, at codon 69 of the TNFRSF13C protein (p.Glu69Lys). This variant is not present in population databases (gnomAD no frequency). This variant has not been reported in the literature in individuals affected with TNFRSF13C-related conditions. An algorithm developed to predict the effect of missense changes on protein structure and function (PolyPhen-2) suggests that this variant is likely to be tolerated. In summary, the available evidence is currently insufficient to determine the role of this variant in disease. Therefore, it has been classified as a Variant of Uncertain Significance.

NM_052945.4(TNFRSF13C):c.205G>A (p.Glu69Lys)

Genes: TNFRSF13C (TNF receptor superfamily member 13C; minus strand), LOC130067574 (ATAC-STARR-seq lymphoblastoid silent region 13813; plus strand). Cytogenetic location: 22q13.2.
Variant type: single nucleotide variant.
Coding change: c.205G>A on transcript NM_052945.4 (MANE Select); coding-DNA position 205, G replaced by A.
Protein change: p.Glu69Lys; replaces glutamic acid 69 with lysine.
Molecular consequence: missense variant.
Genome position (GRCh38, 1-based): chr22:41,926,263, C>T on the plus strand (G>A on the coding strand, the complement: TNFRSF13C is on the minus strand). VCF-style: chr22-41926263-C-T. GRCh37 (hg19) VCF-style: chr22-42322267-C-T.
Other names: short protein forms E69K.
Identifiers: ClinVar variation 4804711 (VCV004804711.1).
Genomic context (GRCh38, chr22:41,926,263, plus strand): 5'-GTGCCAGGCCCAGCAGCGCGGGGGCGCCAAAGAGCAGCCCGGGCAGGGGCAGCGCCGCCT[C>T]GCCGGCCCCCGCGCCCACCGACTCCTGCGGCTGCAGCGCCGTCCTGGGCGCAGGGCTGCT-3'
Protein context (NP_443177.1, residues 59-79): PQESVGAGAG[Glu69Lys]AALPLPGLLF